The following is an entry in ClinVar:

NM_014905.5(GLS):c.1412A>G (p.Gln471Arg)

Gene: GLS (glutaminase; plus strand). Cytogenetic location: 2q32.2.
Variant type: single nucleotide variant.
Coding change: c.1412A>G on transcript NM_014905.5 (MANE Select); coding-DNA position 1412, A replaced by G.
Protein change: p.Gln471Arg; replaces glutamine 471 with arginine.
Molecular consequence: missense variant.
Genome position (GRCh38, 1-based): chr2:190,927,469, A>G. VCF-style: chr2-190927469-A-G. GRCh37 (hg19) VCF-style: chr2-191792195-A-G.
Other names: c.1412A>G (NM_014905.3); c.1412A>G, p.Gln471Arg (NM_001256310.2); short protein forms Q471R.
Identifiers: ClinVar variation 2651768 (VCV002651768.26), dbSNP rs2470309265, ClinGen allele CA349907973.

ClinVar aggregate classification (germline): Conflicting classifications of pathogenicity. Review status: criteria provided, conflicting classifications (1 of 4 stars). 3 submissions from 3 submitters: Likely pathogenic (1); Uncertain significance (2). Last evaluated 2025-10-01.

Conditions:
Developmental and epileptic encephalopathy, 71. Also called: GLUTAMINASE DEFICIENCY WITH NEONATAL EPILEPTIC ENCEPHALOPATHY; EPILEPTIC ENCEPHALOPATHY, EARLY INFANTILE, 71; Neonatal epileptic encephalopathy due to glutaminase deficiency. Identifiers: Orphanet 557064, MedGen C5193030, MONDO:0032678, OMIM 618328.
Inborn genetic diseases. Identifiers: MedGen C0950123, MeSH D030342.

Submissions (3):

Excellence Center for Genomics and Precision Medicine, King Chulalongkorn Memorial Hospital
Classification: Uncertain significance for Developmental and epileptic encephalopathy, 71. Last evaluated: 2025-10-01. Review status: criteria provided, single submitter. Criteria: ACMG Guidelines, 2015. Collection method: clinical testing. Allele origin: germline. Affected: yes.
Comment: PS2_moderate, PP2, PM2_supporting

Ambry Genetics
Classification: Uncertain significance for Inborn genetic diseases. Last evaluated: 2024-12-04. Review status: criteria provided, single submitter. Criteria: Ambry Variant Classification Scheme 2023. Collection method: clinical testing. Allele origin: germline.
Comment: The c.1412A>G (p.Q471R) alteration is located in coding exon 12 of the GLS gene. This alteration results from an A to G substitution at nucleotide position 1412, causing the glutamine (Q) at amino acid position 471 to be replaced by an arginine (R). This variant was not reported in population-based cohorts in the Genome Aggregation Database (gnomAD). This amino acid position is highly conserved in available vertebrate species. This missense alteration is located in a region that has a low rate of benign missense variation (Lek, 2016; Firth, 2009). The in silico prediction for this alteration is inconclusive. Based on insufficient or conflicting evidence, the clinical significance of this alteration remains unclear.

CeGaT Center for Human Genetics Tuebingen
Classification: Likely pathogenic. Last evaluated: 2023-12-01. Review status: criteria provided, single submitter. Criteria: CeGaT Center For Human Genetics Tuebingen Variant Classification Criteria Version 2. Collection method: clinical testing. Allele origin: germline. Affected: yes. Observed: 1 variant allele.
Comment: GLS: PS2, PM2, PP2